The following is an entry in ClinVar:

NC_000015.10:g.48437080_48437081insTTTTTTTTTTTTTTTTTTTTNNNNNNNNNNCCTCGTGATCCGCCCGCCTCGGCCTCCCAAAGTGCTGGGATTACAGGCGTGAGCCACCGCGCCCGGCCACATTCGTCCATATCTT

Gene: FBN1 (fibrillin 1; minus strand). Cytogenetic location: 15q21.1.
Variant type: Insertion.
Genome position: GRCh38: chr15:48,437,080-48,437,081. GRCh37 (hg19): chr15:48,729,277-48,729,278.
Identifiers: ClinVar variation 4786211 (VCV004786211.1).

ClinVar aggregate classification (germline): Pathogenic (1 of 4 stars; one submission).

Conditions:
Marfan syndrome (MFS). Also called: FBN1-Related Marfan Syndrome; MARFAN SYNDROME, TYPE I; Marfan syndrome type 1; Marfan's syndrome; Marfan syndrome, classic. Identifiers: Orphanet 284963, Orphanet 558, MedGen C0024796, MONDO:0007947, OMIM 154700.
Familial thoracic aortic aneurysm and aortic dissection (TAAD). Also called: Thoracic aortic aneurysms and dissections. Identifiers: Orphanet 91387, MedGen C4707243, MONDO:0019625.

Submission:

Labcorp Genetics (formerly Invitae), Labcorp
Classification: Pathogenic for Marfan syndrome; Familial thoracic aortic aneurysm and aortic dissection. Last evaluated: 2025-09-23. Review status: criteria provided, single submitter. Criteria: Invitae Variant Classification Sherloc (09022015). Collection method: clinical testing. Allele origin: germline.
Comment: This sequence change inserts a large fragment of DNA, likely a transposable element, in exon 53 of the FBN1 gene (c.6392_6393ins?), causing a frameshift at codon 2132 (p.Lys2132fs). The exact size and sequence of the insertion cannot be determined by the current assay. However, the insertion is expected to result in an absent or disrupted protein product. This variant is not present in population databases (gnomAD no frequency). This variant has not been reported in the literature in individuals affected with FBN1-related conditions. Retrotransposon insertions including LINE1 (L1), Alu, and SVA (SINE-VNTR-Alu) have been reported to be disease-causing through disruption of either a coding region or splice site (PMID: 19763152, 20307669, 22406018) and loss-of-function variants in FBN1 are known to be pathogenic (PMID: 17657824, 19293843). For these reasons, this variant has been classified as Pathogenic.

Literature cited by the submitters: PubMed 19763152; PubMed 20307669; PubMed 22406018; PubMed 17657824; PubMed 19293843.